The following is an entry in ClinVar:

ClinVar aggregate classification (germline): Uncertain significance. Review status: criteria provided, single submitter (1 of 4 stars). 2 submissions from 2 submitters: Uncertain significance (1). 1 of the submissions does not count toward it. Last evaluated 2013-04-10.

Conditions:
Mitochondrial neurogastrointestinal encephalomyopathy. Also called: Mitochondrial neurogastrointestinal encephalopathy syndrome; MNGIE syndrome; Thymidine phosphorylase deficiency. Identifiers: Orphanet 298, MedGen C0872218, MONDO:0017575.

Allele frequency attached by ClinVar (database versions not stated): TOPMed 0.00001.
gnomAD v4.1: 3 of 1,484,424 alleles (0.0002%); highest among the groups gnomAD compares: East Asian, 0.0057%; no homozygotes.

Submissions (2):

GeneDx
Classification: Uncertain significance. Last evaluated: 2013-04-10. Review status: criteria provided, single submitter. Criteria: GeneDx Variant Classification (06012015). Collection method: clinical testing. Allele origin: germline. Affected: yes.
Comment: p.Gly407Arg (GGG>CGG): c.1219 G>C in exon 9 of the TYMP gene (NM_001953.3) The G407R missense substitution has not been published as a mutation, nor has it been reported as a benign polymorphism to our knowledge. Mutations in the TYMP gene are associated with the autosomal recessive disorder mitochondrial DNA depletion syndrome 1 (MNGIE Type). The amino acid change is non-conservative in that a small, uncharged Glycine residue is replaced by a large, positively charged Arginine residue. This change occurs at a highly conserved position in the TYMP protein. Multiple in-silico analysis programs predict that G407R is damaging to the TYMP protein. Based on the currently available information, it is unclear whether G407R is a disease-causing mutation or a rare benign variant. The variant is found in LSME-MITOP panel(s).

Natera, Inc.
Classification: Uncertain significance for Mitochondrial neurogastrointestinal encephalomyopathy. Last evaluated: 2021-07-28. Review status: no assertion criteria provided. Collection method: clinical testing. Allele origin: germline. Not counted in ClinVar's aggregate classification.

NM_001953.5(TYMP):c.1219G>C (p.Gly407Arg)

Genes: SCO2 (synthesis of cytochrome C oxidase 2; minus strand), TYMP (thymidine phosphorylase; minus strand), LOC130067862 (ATAC-STARR-seq lymphoblastoid silent region 13986; plus strand). Cytogenetic location: 22q13.33.
Variant type: single nucleotide variant.
Coding change: c.1219G>C on transcript NM_001953.5 (MANE Select); coding-DNA position 1219, G replaced by C.
Protein change: p.Gly407Arg; replaces glycine 407 with arginine.
Molecular consequence: missense variant. On other transcripts: 5 prime UTR variant (1), intron variant (1).
Genome position (GRCh38, 1-based): chr22:50,526,082, C>G on the plus strand (G>C on the coding strand, the complement: TYMP is on the minus strand). VCF-style: chr22-50526082-C-G. GRCh37 (hg19) VCF-style: chr22-50964511-C-G.
Other names: c.1219G>C, p.Gly407Arg (NM_001113755.3, NM_001113756.3, NM_001257988.1); c.1234G>C, p.Gly412Arg (NM_001257989.1); c.-95G>C (NM_001169110.1); c.-14+164G>C (NM_001169109.2); short protein forms G407R, G412R.
Identifiers: ClinVar variation 215340 (VCV000215340.5), dbSNP rs863224254, ClinGen allele CA321999.